The following is an entry in ClinVar:

ClinVar aggregate classification (germline): Likely benign. Review status: criteria provided, multiple submitters, no conflicts (2 of 4 stars). 2 submissions from 2 submitters: Likely benign (2). Last evaluated 2026-02-03.

Conditions:
SOX5-related disorder. Also called: SOX5-related condition.

Allele frequency attached by ClinVar (database versions not stated): gnomAD exomes 0.00001; ExAC 0.00002; gnomAD 0.00002; TOPMed 0.00002; ESP Exome Variant Server 0.00008.
gnomAD v4.1: 27 of 1,613,906 alleles (0.0017%); highest among the groups gnomAD compares: Non-Finnish European, 0.002%; no homozygotes.

Submissions (2):

PreventionGenetics, part of Exact Sciences
Classification: Likely benign for SOX5-related condition. Last evaluated: 2026-02-03. Review status: criteria provided, single submitter. Criteria: ACMG Guidelines, 2015. Collection method: clinical testing. Allele origin: germline.
Comment: This variant is classified as likely benign based on ACMG/AMP sequence variant interpretation guidelines (Richards et al. 2015 PMID: 25741868, with internal and published modifications).

CeGaT Center for Human Genetics Tuebingen
Classification: Likely benign. Last evaluated: 2025-11-01. Review status: criteria provided, single submitter. Criteria: CeGaT Center For Human Genetics Tuebingen Variant Classification Criteria Version 2. Collection method: clinical testing. Allele origin: germline. Affected: yes. Observed: 2 variant alleles.
Comment: SOX5: BP4, BP7

NM_006940.6(SOX5):c.363C>T (p.Gly121=)

Gene: SOX5 (SRY-box transcription factor 5; minus strand). Cytogenetic location: 12p12.1.
Variant type: single nucleotide variant.
Coding change: c.363C>T on transcript NM_006940.6 (MANE Select); coding-DNA position 363, C replaced by T.
Protein change: p.Gly121=; no amino-acid change (glycine 121 retained).
Molecular consequence: synonymous variant.
Genome position (GRCh38, 1-based): chr12:23,846,101, G>A on the plus strand (C>T on the coding strand, the complement: SOX5 is on the minus strand). VCF-style: chr12-23846101-G-A. GRCh37 (hg19) VCF-style: chr12-23999035-G-A.
Other names: c.363C>T (NM_006940.5); c.324C>T, p.Gly108= (NM_001261414.3, NM_152989.5); c.333C>T, p.Gly111= (NM_001261415.3); c.258C>T, p.Gly86= (NM_001330785.2).
Identifiers: ClinVar variation 2642788 (VCV002642788.25), dbSNP rs370713247, ClinGen allele CA6484383.